The following is an entry in ClinVar:

NM_001148.6(ANK2):c.8395G>A (p.Asp2799Asn)

Gene: ANK2 (ankyrin 2; plus strand). Cytogenetic location: 4q26.
Variant type: single nucleotide variant.
Coding change: c.8395G>A on transcript NM_001148.6 (MANE Select); coding-DNA position 8395, G replaced by A.
Protein change: p.Asp2799Asn; replaces aspartic acid 2799 with asparagine.
Molecular consequence: missense variant. On other transcripts: intron variant (68).
Genome position (GRCh38, 1-based): chr4:113,357,013, G>A. VCF-style: chr4-113357013-G-A. GRCh37 (hg19) VCF-style: chr4-114278169-G-A.
Other names: c.8161G>A, p.Asp2721Asn (NM_001386142.1); c.4795G>A, p.Asp1599Asn (NM_001386166.1); c.8536G>A, p.Asp2846Asn (NM_001386174.1); c.8512G>A, p.Asp2838Asn (NM_001386175.1); c.4412-3810G>A (NM_001386186.2, NM_001386148.2); c.4214-3810G>A (NM_001354269.3); c.4292-3810G>A (NM_001386187.2); c.4253-3810G>A (NM_001386147.1); and 36 more; short protein forms D2799N, D1599N, D2721N, D2838N, D2846N.
Identifiers: ClinVar variation 347335 (VCV000347335.18), dbSNP rs374145576, ClinGen allele CA3051762.

ClinVar aggregate classification (germline): Conflicting classifications of pathogenicity. Review status: criteria provided, conflicting classifications (1 of 4 stars). 10 submissions from 10 submitters: Uncertain significance (8); Likely benign (2). Last evaluated 2025-07-07.

Conditions:
Cardiovascular phenotype. Identifiers: MedGen CN230736.
Long QT syndrome (LQTS). Identifiers: MedGen C0023976, MeSH D008133, MONDO:0002442. Disease mechanism: loss of function. Inheritance: Various modes of inheritance.
Cardiac arrhythmia, ankyrin-B-related. Also called: ANKYRIN-B SYNDROME. Identifiers: Orphanet 101016, Orphanet 768, MedGen C1970119, MONDO:0010958, OMIM 600919.

Allele frequency attached by ClinVar (database versions not stated): ExAC 0.00002; gnomAD 0.00003 and 0.00004; gnomAD exomes 0.00003 and 0.00004; TOPMed 0.00007; ESP Exome Variant Server 0.00008.
gnomAD v4.1: 44 of 1,613,902 alleles (0.0027%); highest among the groups gnomAD compares: Non-Finnish European, 0.0035%; no homozygotes.

Submissions (10):

Dasa
Classification: Uncertain significance. Last evaluated: 2025-07-07. Review status: criteria provided, single submitter. Criteria: DASA Assertion Criteria. Collection method: clinical testing. Allele origin: germline.
Comment: NM_001148.6(ANK2):c.8395G>A (p.Asp2799Asn) is a missense variant that results in the substitution of aspartic acid with asparagine. This variant is rare in population databases. Computational prediction algorithms are consistent with a benign effect. The currently available literature and clinical evidence are not sufficient to establish a definitive association between this variant and the reported condition. Therefore, this variant is classified as a variant of uncertain significance.

Molecular Diagnostic Laboratory for Inherited Cardiovascular Disease, Montreal Heart Institute
Classification: Uncertain significance for Cardiovascular phenotype. Last evaluated: 2025-04-09. Review status: criteria provided, single submitter. Criteria: ACMG Guidelines, 2015. Collection method: clinical testing. Allele origin: germline. Affected: yes.

Ambry Genetics
Classification: Likely benign for Cardiovascular phenotype. Last evaluated: 2024-12-16. Review status: criteria provided, single submitter. Criteria: Ambry Variant Classification Scheme 2023. Collection method: clinical testing. Allele origin: germline.

Labcorp Genetics (formerly Invitae), Labcorp
Classification: Uncertain significance for Long QT syndrome. Last evaluated: 2024-04-01. Review status: criteria provided, single submitter. Criteria: Invitae Variant Classification Sherloc (09022015). Collection method: clinical testing. Allele origin: germline.
Comment: This sequence change replaces aspartic acid, which is acidic and polar, with asparagine, which is neutral and polar, at codon 2799 of the ANK2 protein (p.Asp2799Asn). This variant is present in population databases (rs374145576, gnomAD 0.008%). This variant has not been reported in the literature in individuals affected with ANK2-related conditions. ClinVar contains an entry for this variant (Variation ID: 347335). Algorithms developed to predict the effect of missense changes on protein structure and function output the following: SIFT: "Not Available"; PolyPhen-2: "Benign"; Align-GVGD: "Not Available". The asparagine amino acid residue is found in multiple mammalian species, which suggests that this missense change does not adversely affect protein function. In summary, the available evidence is currently insufficient to determine the role of this variant in disease. Therefore, it has been classified as a Variant of Uncertain Significance.

Blueprint Genetics
Classification: Likely benign. Last evaluated: 2024-03-04. Review status: criteria provided, single submitter. Criteria: ACMG Guidelines, 2015. Collection method: clinical testing. Allele origin: germline.

Fulgent Genetics
Classification: Uncertain significance for Cardiac arrhythmia, ankyrin-B-related. Last evaluated: 2021-08-06. Review status: criteria provided, single submitter. Criteria: ACMG Guidelines, 2015. Collection method: clinical testing. Allele origin: unknown.

GeneDx
Classification: Uncertain significance. Last evaluated: 2020-08-27. Review status: criteria provided, single submitter. Criteria: GeneDx Variant Classification Process June 2021. Collection method: clinical testing. Allele origin: germline. Affected: yes.
Comment: Identified in individuals referred for inherited arrhythmia genetic testing at GeneDx and in published literature (Bennett et al., 2019); however, clinical information about these individuals' diagnoses is limited; Reported in ClinVar but additional evidence is not available (ClinVar Variant ID#347335; Landrum et al., 2016); In silico analysis supports that this missense variant does not alter protein structure/function; In-silico analysis, which includes splice predictors and evolutionary conservation, is inconclusive as to whether the variant alters gene splicing; in the absence of RNA/functional studies, the actual effect of this sequence change is unknown; This variant is associated with the following publications: (PMID: 31535183)

New York Genome Center
Classification: Uncertain significance. Last evaluated: 2020-06-11. Review status: criteria provided, single submitter. Criteria: NYGC Assertion Criteria 2020. Collection method: clinical testing. Allele origin: germline. Affected: yes. Observed: 1 heterozygote. Study: CSER-NYCKidSeq.

Illumina Laboratory Services, Illumina
Classification: Uncertain significance for Cardiac arrhythmia, ankyrin-B-related. Last evaluated: 2018-01-13. Review status: criteria provided, single submitter. Criteria: ICSL Variant Classification Criteria 13 December 2019. Collection method: clinical testing. Allele origin: germline.

Center for Genomics, Ann and Robert H. Lurie Children's Hospital of Chicago
Classification: Uncertain significance for Cardiac arrhythmia, ankyrin-B-related. Review status: criteria provided, single submitter. Criteria: ACMG Guidelines, 2015. Collection method: clinical testing. Allele origin: germline.
Comment: ANK2 NM_001148.4 exon 38 p.Asp2799Asn (c.8395G>A): This variant has not been reported in the literature but is present in 0.007% (8/112878) of European alleles in the Genome Aggregation Database. This variant is present in ClinVar (Variation ID:347335). Evolutionary conservation and computational predictive tools suggest that this variant may not impact the protein. However, splice prediction tools suggest that this variant may affect splicing. Further studies are needed to understand its impact. In summary, data on this variant is insufficient for disease classification. Therefore, the clinical significance of this variant is uncertain.